The following is an entry in ClinVar:

NM_017672.6(TRPM7):c.4324+5G>A

Gene: TRPM7 (transient receptor potential cation channel subfamily M member 7; minus strand). Cytogenetic location: 15q21.2.
Variant type: single nucleotide variant.
Coding change: c.4324+5G>A on transcript NM_017672.6 (MANE Select); 5 bases into the intron after coding-DNA position 4324, G replaced by A.
Molecular consequence: intron variant.
Genome position (GRCh38, 1-based): chr15:50,591,906, C>T on the plus strand (G>A on the coding strand, the complement: TRPM7 is on the minus strand). VCF-style: chr15-50591906-C-T. GRCh37 (hg19) VCF-style: chr15-50884103-C-T.
Other names: c.4324+5G>A (NM_001301212.2).
Identifiers: ClinVar variation 2573720 (VCV002573720.1), dbSNP rs750264326, ClinGen allele CA2580613830.

ClinVar aggregate classification (germline): Uncertain significance (1 of 4 stars; one submission).

Submission:

GeneDx
Classification: Uncertain significance. Last evaluated: 2023-01-24. Review status: criteria provided, single submitter. Criteria: GeneDx Variant Classification Process June 2021. Collection method: clinical testing. Allele origin: germline. Affected: yes.
Comment: Not observed at significant frequency in large population cohorts (gnomAD); Has not been previously published as pathogenic or benign to our knowledge; In silico analysis suggests this variant may impact gene splicing. In the absence of RNA/functional studies, the actual effect of this sequence change is unknown.